The following is an entry in ClinVar:

ClinVar aggregate classification (germline): Uncertain significance (1 of 4 stars; one submission).

gnomAD v4.1: 27 of 152,144 alleles (0.018%); highest among the groups gnomAD compares: African/African-American, 0.065%; no homozygotes.

Submission:

Greenwood Genetic Center Diagnostic Laboratories, Greenwood Genetic Center
Classification: Uncertain significance. Last evaluated: 2026-05-15. Review status: criteria provided, single submitter. Criteria: ACMG Guidelines, 2015. Collection method: clinical testing. Allele origin: germline.
Comment: PM2, BP4

NM_001113378.2(FANCI):c.85-1035C>G

Gene: FANCI (FA complementation group I; plus strand). Cytogenetic location: 15q26.1.
Variant type: single nucleotide variant.
Coding change: c.85-1035C>G on transcript NM_001113378.2 (MANE Select); 1035 bases into the intron before coding-DNA position 85, C replaced by G.
Molecular consequence: intron variant.
Genome position (GRCh38, 1-based): chr15:89,257,669, C>G. VCF-style: chr15-89257669-C-G. GRCh37 (hg19) VCF-style: chr15-89800900-C-G.
Other names: c.85-1035C>G (NM_018193.3, NM_001376911.1); c.-195-1035C>G (NM_001376910.1).
Identifiers: ClinVar variation 4891079 (VCV004891079.1).
Genomic context (GRCh38, chr15:89,257,669, plus strand): 5'-TAGTCTTTGGATTAGGACCCATCCTAATGACCTCAACTAATCTCACCTACAAGAAGAGCC[C>G]AATTTCCAAATAAGGTCACATTCTGAAATACTGGGGGTTAGAGCTTCAACATATGAAATT-3'